The following is an entry in ClinVar:

ClinVar aggregate classification (germline): Likely benign (0 of 4 stars; one submission).

Conditions:
PIAS4-related disorder. Also called: PIAS4-related condition.

Allele frequency attached by ClinVar (database versions not stated): 1000 Genomes Project 30x 0.00031; 1000 Genomes Project 0.00040; TOPMed 0.00099; ExAC 0.00103; gnomAD 0.00109; ESP Exome Variant Server 0.00154; gnomAD exomes 0.00183.
gnomAD v4.1: 2,828 of 1,613,306 alleles (0.18%); highest among the groups gnomAD compares: Non-Finnish European, 0.2%; 5 homozygotes.

Submission:

PreventionGenetics, part of Exact Sciences
Classification: Likely benign for PIAS4-related condition. Last evaluated: 2022-10-25. Review status: no assertion criteria provided. Collection method: clinical testing. Allele origin: germline.
Comment: This variant is classified as likely benign based on ACMG/AMP sequence variant interpretation guidelines (Richards et al. 2015 PMID: 25741868, with internal and published modifications).

NM_015897.4(PIAS4):c.383A>T (p.Lys128Met)

Gene: PIAS4 (protein inhibitor of activated STAT 4; plus strand). Cytogenetic location: 19p13.3.
Variant type: single nucleotide variant.
Coding change: c.383A>T on transcript NM_015897.4 (MANE Select); coding-DNA position 383, A replaced by T.
Protein change: p.Lys128Met; replaces lysine 128 with methionine.
Molecular consequence: missense variant.
Genome position (GRCh38, 1-based): chr19:4,013,278, A>T. VCF-style: chr19-4013278-A-T. GRCh37 (hg19) VCF-style: chr19-4013276-A-T.
Other names: short protein forms K128M.
Identifiers: ClinVar variation 3048197 (VCV003048197.2), dbSNP rs148740518, ClinGen allele CA9089722.
Genomic context (GRCh38, chr19:4,013,278, plus strand): 5'-ACCCCGTGCTCTACGGAAAGTACTTAAACGGACTGGGACGGTTGCCCGCCAAGACCCTCA[A>T]GCCAGAAGTCCGCCTGGTGAAGCTGCCGTTCTTTAATATGCTGGATGAGCTGCTGAAGCC-3'
Protein context (NP_056981.2, residues 118-138): GLGRLPAKTL[Lys128Met]PEVRLVKLPF